The following is an entry in ClinVar:

ClinVar aggregate classification (germline): Uncertain significance (1 of 4 stars; one submission).

Submission:

Labcorp Genetics (formerly Invitae), Labcorp
Classification: Uncertain significance. Last evaluated: 2025-08-07. Review status: criteria provided, single submitter. Criteria: Invitae Variant Classification Sherloc (09022015). Collection method: clinical testing. Allele origin: germline.
Comment: This sequence change creates a premature translational stop signal (p.Trp82*) in the TNFRSF6B gene. It is expected to result in an absent or disrupted protein product. However, the current clinical and genetic evidence is not sufficient to establish whether loss-of-function variants in TNFRSF6B cause disease. This variant is not present in population databases (gnomAD no frequency). This variant has not been reported in the literature in individuals affected with TNFRSF6B-related conditions. In summary, the available evidence is currently insufficient to determine the role of this variant in disease. Therefore, it has been classified as a Variant of Uncertain Significance.

NM_003823.4(TNFRSF6B):c.246del (p.Phe81_Trp82insTer)

Genes: RTEL1-TNFRSF6B (RTEL1-TNFRSF6B readthrough (NMD candidate); plus strand), TNFRSF6B (TNF receptor superfamily member 6b; plus strand). Cytogenetic location: 20q13.33.
Variant type: Deletion.
Coding change: c.246del on transcript NM_003823.4 (MANE Select); coding-DNA position 246, one base deleted (G; older notation c.246delG).
Protein change: p.Phe81_Trp82insTer.
Molecular consequence: nonsense. On other transcripts: non-coding transcript variant (1).
Genome position (GRCh38, 1-based): chr20:63,697,013, G deleted; the last of 2 consecutive G bases (chr20:63,697,012-63,697,013); deleting either gives the same sequence. VCF-style (leftmost placement, unchanged base first): chr20-63697011-TG-T. GRCh37 (hg19) VCF-style: chr20-62328364-TG-T.
Identifiers: ClinVar variation 4722317 (VCV004722317.1).